The following is an entry in ClinVar:

ClinVar aggregate classification (germline): Pathogenic (1 of 4 stars; one submission).

Conditions:
PKD1-related disorder. Also called: PKD1-related condition.

Submission:

PreventionGenetics, part of Exact Sciences
Classification: Pathogenic for PKD1-related condition. Last evaluated: 2025-12-29. Review status: criteria provided, single submitter. Criteria: ACMG Guidelines, 2015. Collection method: clinical testing. Allele origin: germline.
Comment: The PKD1 c.9103G>T variant is predicted to result in premature protein termination (p.Glu3035*). To our knowledge, this variant has not been reported in the literature or in a large population database (gnomAD), indicating this variant is rare. Nonsense variants in PKD1 are expected to be pathogenic. This variant is interpreted as pathogenic.

NM_001009944.3(PKD1):c.9103G>T (p.Glu3035Ter)

Gene: PKD1 (polycystin 1, transient receptor potential channel interacting; minus strand). Cytogenetic location: 16p13.3.
Variant type: single nucleotide variant.
Coding change: c.9103G>T on transcript NM_001009944.3 (MANE Select); coding-DNA position 9103, G replaced by T.
Protein change: p.Glu3035Ter; replaces glutamic acid 3035 with a stop codon.
Molecular consequence: nonsense.
Genome position (GRCh38, 1-based): chr16:2,102,479, C>A on the plus strand (G>T on the coding strand, the complement: PKD1 is on the minus strand). VCF-style: chr16-2102479-C-A. GRCh37 (hg19) VCF-style: chr16-2152480-C-A.
Other names: c.9103G>T, p.Glu3035Ter (NM_000296.4); short protein forms E3035*.
Identifiers: ClinVar variation 4994378 (VCV004994378.1).